The following is an entry in ClinVar:

NM_015202.5(KATNIP):c.4279C>A (p.Arg1427=)

Gene: KATNIP (katanin interacting protein; plus strand). Cytogenetic location: 16p12.1.
Variant type: single nucleotide variant.
Coding change: c.4279C>A on transcript NM_015202.5 (MANE Select); coding-DNA position 4279, C replaced by A.
Protein change: p.Arg1427=; no amino-acid change (arginine 1427 retained).
Molecular consequence: synonymous variant.
Genome position (GRCh38, 1-based): chr16:27,773,179, C>A. VCF-style: chr16-27773179-C-A. GRCh37 (hg19) VCF-style: chr16-27784500-C-A.
Identifiers: ClinVar variation 4534304 (VCV004534304.6).

ClinVar aggregate classification (germline): Likely benign (1 of 4 stars; one submission).

gnomAD v4.1: 1 of 1,611,442 alleles (0.000062%); highest among the groups gnomAD compares: East Asian, 0.0022%; no homozygotes.

Submission:

CeGaT Center for Human Genetics Tuebingen
Classification: Likely benign. Last evaluated: 2025-10-01. Review status: criteria provided, single submitter. Criteria: CeGaT Center For Human Genetics Tuebingen Variant Classification Criteria Version 2. Collection method: clinical testing. Allele origin: germline. Affected: yes. Observed: 1 variant allele.
Comment: KATNIP: BP4, BP7